The following is an entry in ClinVar:

NM_001364171.2(ODAD1):c.161A>G (p.Asn54Ser)

Gene: ODAD1 (outer dynein arm docking complex subunit 1; minus strand). Cytogenetic location: 19q13.33.
Variant type: single nucleotide variant.
Coding change: c.161A>G on transcript NM_001364171.2 (MANE Select); coding-DNA position 161, A replaced by G.
Protein change: p.Asn54Ser; replaces asparagine 54 with serine.
Molecular consequence: missense variant.
Genome position (GRCh38, 1-based): chr19:48,318,722, T>C on the plus strand (A>G on the coding strand, the complement: ODAD1 is on the minus strand). VCF-style: chr19-48318722-T-C. GRCh37 (hg19) VCF-style: chr19-48821979-T-C.
Other names: c.50A>G, p.Asn17Ser (NM_144577.4); short protein forms N17S, N54S.
Identifiers: ClinVar variation 525247 (VCV000525247.9), dbSNP rs968311018, ClinGen allele CA309317811.
Genomic context (GRCh38, chr19:48,318,722, plus strand): 5'-AGCCCCTCTGACCCCCTCCTCCCCAGCTCAGGGCCCAGGCGCCCAGCTCACAGTTGCTTG[T>C]TGATGCGCTGGTGGACTTCCTTGCTGTAGGCCCGCCTCTCCCCTTCCATCACTTTGCATT-3'
Protein context (NP_001351100.1, residues 44-64): AYSKEVHQRI[Asn54Ser]KQLEEIRRLE

ClinVar aggregate classification (germline): Uncertain significance (1 of 4 stars; one submission).

Conditions:
Primary ciliary dyskinesia. Also called: Ciliary dyskinesia. Identifiers: Orphanet 244, MedGen C0008780, MONDO:0016575, HP:0012265.

Allele frequency attached by ClinVar (database versions not stated): gnomAD exomes 0.00002.
gnomAD v4.1: 24 of 1,550,354 alleles (0.0015%); highest among the groups gnomAD compares: Non-Finnish European, 0.002%; no homozygotes.

Submission:

Labcorp Genetics (formerly Invitae), Labcorp
Classification: Uncertain significance for Primary ciliary dyskinesia. Last evaluated: 2022-07-15. Review status: criteria provided, single submitter. Criteria: Invitae Variant Classification Sherloc (09022015). Collection method: clinical testing. Allele origin: germline.
Comment: ClinVar contains an entry for this variant (Variation ID: 525247). In summary, the available evidence is currently insufficient to determine the role of this variant in disease. Therefore, it has been classified as a Variant of Uncertain Significance. Algorithms developed to predict the effect of missense changes on protein structure and function output the following: SIFT: "Tolerated"; PolyPhen-2: "Benign"; Align-GVGD: "Class C0". The serine amino acid residue is found in multiple mammalian species, which suggests that this missense change does not adversely affect protein function. This variant has not been reported in the literature in individuals affected with CCDC114-related conditions. This variant is not present in population databases (gnomAD no frequency). This sequence change replaces asparagine, which is neutral and polar, with serine, which is neutral and polar, at codon 17 of the CCDC114 protein (p.Asn17Ser).